The following is an entry in ClinVar:

NM_013275.6(ANKRD11):c.2918G>A (p.Arg973Gln)

Gene: ANKRD11 (ankyrin repeat domain 11; minus strand). Cytogenetic location: 16q24.3.
Variant type: single nucleotide variant.
Coding change: c.2918G>A on transcript NM_013275.6 (MANE Select); coding-DNA position 2918, G replaced by A.
Protein change: p.Arg973Gln; replaces arginine 973 with glutamine.
Molecular consequence: missense variant.
Genome position (GRCh38, 1-based): chr16:89,283,624, C>T on the plus strand (G>A on the coding strand, the complement: ANKRD11 is on the minus strand). VCF-style: chr16-89283624-C-T. GRCh37 (hg19) VCF-style: chr16-89350032-C-T.
Other names: c.2918G>A, p.Arg973Gln (NM_001256182.2, NM_001256183.2); short protein forms R973Q.
Identifiers: ClinVar variation 3122233 (VCV003122233.3), dbSNP rs769464008, ClinGen allele CA8242473.
Genomic context (GRCh38, chr16:89,283,624, plus strand): 5'-AAGTCGCCGTCGGACTTGTCCTTGAAGCCACTCTCGCAGCCACACTCCTTCAGCTCCTCC[C>T]GGTGCGCCTCCTCGGGCTTGGCCCTGCCGTCCCTGCGCTCCTTGCAGCTCTCCAGGGCGT-3'
Protein context (NP_037407.4, residues 963-983): DGRAKPEEAH[Arg973Gln]EELKECGCES

ClinVar aggregate classification (germline): Conflicting classifications of pathogenicity. Review status: criteria provided, conflicting classifications (1 of 4 stars). 2 submissions from 2 submitters: Uncertain significance (1); Likely benign (1). Last evaluated 2024-10-08.

Conditions:
KBG syndrome (KBGS). Also called: ANKRD11-Related KBG Syndrome. Identifiers: Orphanet 2332, MedGen C0220687, MONDO:0007846, OMIM 148050.
Inborn genetic diseases. Identifiers: MedGen C0950123, MeSH D030342.

Allele frequency attached by ClinVar (database versions not stated): ExAC 0.00002; gnomAD 0.00002.
gnomAD v4.1: 20 of 1,610,420 alleles (0.0012%); highest among the groups gnomAD compares: East Asian, 0.0089%; no homozygotes.

Submissions (2):

Labcorp Genetics (formerly Invitae), Labcorp
Classification: Uncertain significance for KBG syndrome. Last evaluated: 2024-10-08. Review status: criteria provided, single submitter. Criteria: Invitae Variant Classification Sherloc (09022015). Collection method: clinical testing. Allele origin: germline.
Comment: This sequence change replaces arginine, which is basic and polar, with glutamine, which is neutral and polar, at codon 973 of the ANKRD11 protein (p.Arg973Gln). This variant is present in population databases (rs769464008, gnomAD 0.01%). This variant has not been reported in the literature in individuals affected with ANKRD11-related conditions. Invitae Evidence Modeling of protein sequence and biophysical properties (such as structural, functional, and spatial information, amino acid conservation, physicochemical variation, residue mobility, and thermodynamic stability) indicates that this missense variant is not expected to disrupt ANKRD11 protein function with a negative predictive value of 95%. In summary, the available evidence is currently insufficient to determine the role of this variant in disease. Therefore, it has been classified as a Variant of Uncertain Significance.

Ambry Genetics
Classification: Likely benign for Inborn genetic diseases. Last evaluated: 2023-11-22. Review status: criteria provided, single submitter. Criteria: Ambry Variant Classification Scheme 2023. Collection method: clinical testing. Allele origin: germline.